The following is an entry in ClinVar:

NM_001394062.1(MACF1):c.18915G>A (p.Trp6305Ter)

Gene: MACF1 (microtubule actin crosslinking factor 1; plus strand). Cytogenetic location: 1p34.3.
Variant type: single nucleotide variant.
Coding change: c.18915G>A on transcript NM_001394062.1 (MANE Select); coding-DNA position 18915, G replaced by A.
Protein change: p.Trp6305Ter; replaces tryptophan 6305 with a stop codon.
Molecular consequence: nonsense.
Genome position (GRCh38, 1-based): chr1:39,442,287, G>A. VCF-style: chr1-39442287-G-A. GRCh37 (hg19) VCF-style: chr1-39907959-G-A.
Other names: c.6993G>A, p.Trp2331Ter (NM_001397473.1); c.12738G>A, p.Trp4246Ter (NM_012090.5); short protein forms W2331*, W4246*, W6305*.
Identifiers: ClinVar variation 3370811 (VCV003370811.1).
Genomic context (GRCh38, chr1:39,442,287, plus strand): 5'-TACTGATGAGACGGACAGAGACATTATACGAGAACCACTGACAGAACTCAAACACCTCTG[G>A]GAGAACCTGGGTGAGAAAATTGCCCACCGACAGGTAAGGCAGGTGGTAGATGACATCAGT-3'

ClinVar aggregate classification (germline): Uncertain significance (1 of 4 stars; one submission).

Submission:

GeneDx
Classification: Uncertain significance. Last evaluated: 2024-03-11. Review status: criteria provided, single submitter. Criteria: GeneDx Variant Classification Process June 2021. Collection method: clinical testing. Allele origin: germline. Affected: yes.
Comment: Not observed at significant frequency in large population cohorts (gnomAD); Nonsense variant predicted to result in protein truncation or nonsense mediated decay in a gene or region of a gene for which loss of function is not a well-established mechanism of disease; Has not been previously published as pathogenic or benign to our knowledge